The following is an entry in ClinVar:

NM_000321.3(RB1):c.1A>T (p.Met1Leu)

Gene: RB1 (RB transcriptional corepressor 1; plus strand). Cytogenetic location: 13q14.2.
Variant type: single nucleotide variant.
Coding change: c.1A>T on transcript NM_000321.3 (MANE Select); coding-DNA position 1, A replaced by T.
Protein change: p.Met1Leu; changes the start codon (methionine 1).
Molecular consequence: missense variant, initiator codon variant.
Genome position (GRCh38, 1-based): chr13:48,303,913, A>T. VCF-style: chr13-48303913-A-T. GRCh37 (hg19) VCF-style: chr13-48878049-A-T.
Other names: short protein forms M1L.
Identifiers: ClinVar variation 1428673 (VCV001428673.6), dbSNP rs2138026940, ClinGen allele CA388250130.

ClinVar aggregate classification (germline): Uncertain significance (1 of 4 stars; one submission).

Conditions:
Retinoblastoma (RB1). Also called: RETINOBLASTOMA, SOMATIC. Identifiers: Orphanet 790, MedGen C0035335, MeSH D012175, MONDO:0008380, OMIM 180200, HP:0009919. Disease mechanism: loss of function. Inheritance: Both sporadic and heritable forms are tested..

Submission:

Labcorp Genetics (formerly Invitae), Labcorp
Classification: Uncertain significance for Retinoblastoma. Last evaluated: 2021-10-21. Review status: criteria provided, single submitter. Criteria: Invitae Variant Classification Sherloc (09022015). Collection method: clinical testing. Allele origin: germline.
Comment: In summary, the available evidence is currently insufficient to determine the role of this variant in disease. Therefore, it has been classified as a Variant of Uncertain Significance. Experimental studies and prediction algorithms are not available or were not evaluated, and the functional significance of this variant is currently unknown. Disruption of the initiator codon has been observed in individual(s) with retinoblastoma (PMID: 21520333, 24225018). This variant is not present in population databases (gnomAD no frequency). This sequence change affects the initiator methionine of the RB1 mRNA. The next in-frame methionine is located at codon 113.

Literature cited by the submitters: PubMed 21520333; PubMed 24225018.